The following is an entry in ClinVar:

ClinVar aggregate classification (germline): Uncertain significance (1 of 4 stars; one submission).

Submission:

CeGaT Center for Human Genetics Tuebingen
Classification: Uncertain significance. Last evaluated: 2026-01-01. Review status: criteria provided, single submitter. Criteria: CeGaT Center For Human Genetics Tuebingen Variant Classification Criteria Version 2. Collection method: clinical testing. Allele origin: germline. Affected: yes. Observed: 1 variant allele.
Comment: HCFC1: PM2, PP2

NM_005334.3(HCFC1):c.752C>T (p.Ala251Val)

Gene: HCFC1 (host cell factor C1; minus strand). Cytogenetic location: Xq28.
Variant type: single nucleotide variant.
Coding change: c.752C>T on transcript NM_005334.3 (MANE Select); coding-DNA position 752, C replaced by T.
Protein change: p.Ala251Val; replaces alanine 251 with valine.
Molecular consequence: missense variant.
Genome position (GRCh38, 1-based): chrX:153,962,267, G>A on the plus strand (C>T on the coding strand, the complement: HCFC1 is on the minus strand). VCF-style: chrX-153962267-G-A. GRCh37 (hg19) VCF-style: chrX-153227718-G-A.
Other names: c.752C>T, p.Ala251Val (NM_001410705.1, NM_001440843.1, NM_001440844.1 and 7 more transcripts); short protein forms A251V.
Identifiers: ClinVar variation 4822946 (VCV004822946.4).